The following is an entry in ClinVar:

NM_001197104.2(KMT2A):c.6328T>C (p.Ser2110Pro)

Gene: KMT2A (lysine methyltransferase 2A; plus strand). Cytogenetic location: 11q23.3.
Variant type: single nucleotide variant.
Coding change: c.6328T>C on transcript NM_001197104.2 (MANE Select); coding-DNA position 6328, T replaced by C.
Protein change: p.Ser2110Pro; replaces serine 2110 with proline.
Molecular consequence: missense variant.
Genome position (GRCh38, 1-based): chr11:118,501,680, T>C. VCF-style: chr11-118501680-T-C. GRCh37 (hg19) VCF-style: chr11-118372395-T-C.
Other names: c.6418T>C, p.Ser2140Pro (NM_001412597.1); c.6319T>C, p.Ser2107Pro (NM_005933.4); short protein forms S2107P, S2110P, S2140P.
Identifiers: ClinVar variation 4750342 (VCV004750342.1).

ClinVar aggregate classification (germline): Uncertain significance (1 of 4 stars; one submission).

gnomAD v4.1: 12 of 1,609,554 alleles (0.00075%); highest among the groups gnomAD compares: African/African-American, 0.016%; no homozygotes.

Submission:

Labcorp Genetics (formerly Invitae), Labcorp
Classification: Uncertain significance. Last evaluated: 2025-09-03. Review status: criteria provided, single submitter. Criteria: Invitae Variant Classification Sherloc (09022015). Collection method: clinical testing. Allele origin: germline.
Comment: This sequence change replaces serine, which is neutral and polar, with proline, which is neutral and non-polar, at codon 2110 of the KMT2A protein (p.Ser2110Pro). This variant is present in population databases (no rsID available, gnomAD 0.03%). This variant has not been reported in the literature in individuals affected with KMT2A-related conditions. Invitae Evidence Modeling of protein sequence and biophysical properties (such as structural, functional, and spatial information, amino acid conservation, physicochemical variation, residue mobility, and thermodynamic stability) indicates that this missense variant is not expected to disrupt KMT2A protein function with a negative predictive value of 95%. In summary, the available evidence is currently insufficient to determine the role of this variant in disease. Therefore, it has been classified as a Variant of Uncertain Significance.